The following is an entry in ClinVar:

ClinVar aggregate classification (germline): Uncertain significance (1 of 4 stars; one submission).

Allele frequency attached by ClinVar (database versions not stated): TOPMed below 0.00001; ExAC 0.00001; gnomAD exomes 0.00001.
gnomAD v4.1: 11 of 1,614,206 alleles (0.00068%); highest among the groups gnomAD compares: East Asian, 0.0022%; no homozygotes.

Submission:

Athena Diagnostics
Classification: Uncertain significance. Last evaluated: 2022-09-21. Review status: criteria provided, single submitter. Criteria: Athena Diagnostics Criteria. Collection method: clinical testing. Allele origin: unknown.
Comment: Available data are insufficient to determine the clinical significance of the variant at this time. The frequency of this variant in the general population is uninformative in assessment of its pathogenicity. Computational tools predict that this variant is not damaging.

NM_018109.4(MTPAP):c.1693A>G (p.Arg565Gly)

Gene: MTPAP (mitochondrial poly(A) polymerase; minus strand). Cytogenetic location: 10p11.23.
Variant type: single nucleotide variant.
Coding change: c.1693A>G on transcript NM_018109.4 (MANE Select); coding-DNA position 1693, A replaced by G.
Protein change: p.Arg565Gly; replaces arginine 565 with glycine.
Molecular consequence: missense variant.
Genome position (GRCh38, 1-based): chr10:30,313,665, T>C on the plus strand (A>G on the coding strand, the complement: MTPAP is on the minus strand). VCF-style: chr10-30313665-T-C. GRCh37 (hg19) VCF-style: chr10-30602594-T-C.
Other names: short protein forms R565G.
Identifiers: ClinVar variation 2684268 (VCV002684268.1), dbSNP rs768437884, ClinGen allele CA5458906.